The following is an entry in ClinVar:

ClinVar aggregate classification (germline): Uncertain significance (1 of 4 stars; one submission).

Conditions:
Hypertrophic cardiomyopathy. Also called: HYPERTROPHIC MYOCARDIOPATHY. Identifiers: Orphanet 217569, MedGen C0007194, MeSH D002312, MONDO:0005045, HP:0001639.

Allele frequency attached by ClinVar (database versions not stated): gnomAD exomes below 0.00001; TOPMed below 0.00001.
gnomAD v4.1: 1 of 1,613,852 alleles (0.000062%); highest among the groups gnomAD compares: Admixed American, 0.0017%; no homozygotes.

Submission:

Labcorp Genetics (formerly Invitae), Labcorp
Classification: Uncertain significance for Hypertrophic cardiomyopathy. Last evaluated: 2022-09-01. Review status: criteria provided, single submitter. Criteria: Invitae Variant Classification Sherloc (09022015). Collection method: clinical testing. Allele origin: germline.
Comment: This variant is not present in population databases (gnomAD no frequency). This sequence change creates a premature translational stop signal (p.Trp1171*) in the MYOM1 gene. It is expected to result in an absent or disrupted protein product. However, the current clinical and genetic evidence is not sufficient to establish whether loss-of-function variants in MYOM1 cause disease. This variant has not been reported in the literature in individuals affected with MYOM1-related conditions. ClinVar contains an entry for this variant (Variation ID: 937624). In summary, the available evidence is currently insufficient to determine the role of this variant in disease. Therefore, it has been classified as a Variant of Uncertain Significance.

NM_003803.4(MYOM1):c.3513G>A (p.Trp1171Ter)

Gene: MYOM1 (myomesin 1; minus strand). Cytogenetic location: 18p11.31.
Variant type: single nucleotide variant.
Coding change: c.3513G>A on transcript NM_003803.4 (MANE Select); coding-DNA position 3513, G replaced by A.
Protein change: p.Trp1171Ter; replaces tryptophan 1171 with a stop codon.
Molecular consequence: nonsense.
Genome position (GRCh38, 1-based): chr18:3,102,536, C>T on the plus strand (G>A on the coding strand, the complement: MYOM1 is on the minus strand). VCF-style: chr18-3102536-C-T. GRCh37 (hg19) VCF-style: chr18-3102534-C-T.
Other names: c.3225G>A, p.Trp1075Ter (NM_019856.2); short protein forms W1075*, W1171*.
Identifiers: ClinVar variation 937624 (VCV000937624.7), dbSNP rs2079393948, ClinGen allele CA401703289.